The following is an entry in ClinVar:

ClinVar aggregate classification (germline): Likely benign (0 of 4 stars; one submission).

Conditions:
ARHGAP26-related disorder. Also called: ARHGAP26-related condition.

Allele frequency attached by ClinVar (database versions not stated): 1000 Genomes Project 30x 0.00031; 1000 Genomes Project 0.00040; ExAC 0.00083; gnomAD 0.00084; TOPMed 0.00085; ESP Exome Variant Server 0.00123; gnomAD exomes 0.00129.
gnomAD v4.1: 2,035 of 1,614,018 alleles (0.13%); highest among the groups gnomAD compares: Non-Finnish European, 0.15%; 5 homozygotes.

Submission:

PreventionGenetics, part of Exact Sciences
Classification: Likely benign for ARHGAP26-related condition. Last evaluated: 2019-10-28. Review status: no assertion criteria provided. Collection method: clinical testing. Allele origin: germline.
Comment: This variant is classified as likely benign based on ACMG/AMP sequence variant interpretation guidelines (Richards et al. 2015 PMID: 25741868, with internal and published modifications).

NM_001135608.3(ARHGAP26):c.1947C>T (p.Asp649=)

Gene: ARHGAP26 (Rho GTPase activating protein 26; plus strand). Cytogenetic location: 5q31.3.
Variant type: single nucleotide variant.
Coding change: c.1947C>T on transcript NM_001135608.3 (MANE Select); coding-DNA position 1947, C replaced by T.
Protein change: p.Asp649=; no amino-acid change (aspartic acid 649 retained).
Molecular consequence: synonymous variant. On other transcripts: non-coding transcript variant (1).
Genome position (GRCh38, 1-based): chr5:143,147,340, C>T. VCF-style: chr5-143147340-C-T. GRCh37 (hg19) VCF-style: chr5-142526905-C-T.
Other names: c.1839C>T, p.Asp613= (NM_001349547.2); c.1947C>T, p.Asp649= (NM_015071.6).
Identifiers: ClinVar variation 3034282 (VCV003034282.2), dbSNP rs61749638, ClinGen allele CA3486495.